The following is an entry in ClinVar:

NM_000059.4(BRCA2):c.6987G>A (p.Pro2329=)

Gene: BRCA2 (BRCA2 DNA repair associated; plus strand). Cytogenetic location: 13q13.1.
Variant type: single nucleotide variant.
Coding change: c.6987G>A on transcript NM_000059.4 (MANE Select); coding-DNA position 6987, G replaced by A.
Protein change: p.Pro2329=; no amino-acid change (proline 2329 retained).
Molecular consequence: synonymous variant.
Genome position (GRCh38, 1-based): chr13:32,346,876, G>A. VCF-style: chr13-32346876-G-A. GRCh37 (hg19) VCF-style: chr13-32921013-G-A.
Identifiers: ClinVar variation 183969 (VCV000183969.29), dbSNP rs756619373, ClinGen allele CA024668.

ClinVar aggregate classification (germline): Likely benign. Review status: reviewed by expert panel (3 of 4 stars). 11 submissions from 10 submitters: Likely benign (1). 10 of the submissions do not count toward it. Last evaluated 2017-06-29.

Conditions:
BRCA2-related cancer predisposition. Identifiers: MedGen CN377758, MONDO:0700269.
Hereditary cancer-predisposing syndrome. Also called: Tumor predisposition; Neoplastic Syndromes, Hereditary; Hereditary Cancer Syndrome; Hereditary neoplastic syndrome. Identifiers: Orphanet 140162, MedGen C0027672, MeSH D009386, MONDO:0015356.
Hereditary breast ovarian cancer syndrome. Also called: Hereditary breast and ovarian cancer; Hereditary breast and ovarian cancer syndrome (HBOC); Breast and ovarian cancer; Hereditary breast and/or ovarian cancer syndrome; BRCA1- and BRCA2-Associated Hereditary Breast and Ovarian Cancer; Hereditary breast and ovarian cancer syndrome. Identifiers: Orphanet 145, MedGen C0677776, MeSH D061325, MONDO:0003582. Disease mechanism: loss of function.
Breast-ovarian cancer, familial, susceptibility to, 2 (BROVCA2). Also called: BRCA2 Hereditary Breast and Ovarian Cancer. Identifiers: Orphanet 145, MedGen C2675520, MONDO:0012933, OMIM 612555. Disease mechanism: loss of function.
Familial cancer of breast. Also called: hereditary breast carcinoma; BREAST CANCER, FAMILIAL; Hereditary breast cancer. Identifiers: Orphanet 227535, MedGen C0346153, MONDO:0016419, OMIM 114480. Disease mechanism: loss of function.

Allele frequency attached by ClinVar (database versions not stated): TOPMed 0.00001; gnomAD exomes 0.00002 and below 0.00001; gnomAD 0.00003 and 0.00004; ExAC 0.00001.
gnomAD v4.1: 33 of 1,609,500 alleles (0.0021%); highest among the groups gnomAD compares: African/African-American, 0.0067%; no homozygotes.

Submissions (11):

Evidence-based Network for the Interpretation of Germline Mutant Alleles (ENIGMA)
Classification: Likely benign for Breast-ovarian cancer, familial, susceptibility to, 2. Last evaluated: 2017-06-29. Review status: reviewed by expert panel. Criteria: ENIGMA BRCA1/2 Classification Criteria (2017-06-29). Collection method: curation. Allele origin: germline.
Comment: Synonymous substitution variant, with low bioinformatic likelihood to result in a splicing aberration (Splicing prior probability 0.02).

CeGaT Center for Human Genetics Tuebingen
Classification: Likely benign. Last evaluated: 2026-06-01. Review status: criteria provided, single submitter. Criteria: CeGaT Center For Human Genetics Tuebingen Variant Classification Criteria Version 2. Collection method: clinical testing. Allele origin: germline. Affected: yes. Observed: 1 variant allele. Not counted in ClinVar's aggregate classification.
Comment: BRCA2: BP4, BP7

Labcorp Genetics (formerly Invitae), Labcorp
Classification: Likely benign for Hereditary breast ovarian cancer syndrome. Last evaluated: 2026-01-31. Review status: criteria provided, single submitter. Criteria: Invitae Variant Classification Sherloc (09022015). Collection method: clinical testing. Allele origin: germline. Not counted in ClinVar's aggregate classification.

KCCC/NGS Laboratory, Kuwait Cancer Control Center
Classification: Benign for Familial cancer of breast. Last evaluated: 2025-02-01. Review status: criteria provided, single submitter. Criteria: ACMG Guidelines, 2015. Collection method: clinical testing. Allele origin: germline. Affected: no. Not counted in ClinVar's aggregate classification.

Quest Diagnostics Nichols Institute San Juan Capistrano
Classification: Likely benign. Last evaluated: 2025-01-21. Review status: criteria provided, single submitter. Criteria: Quest Diagnostics criteria. Collection method: clinical testing. Allele origin: unknown. Not counted in ClinVar's aggregate classification.

All of Us Research Program, National Institutes of Health
Classification: Likely benign for BRCA2-related cancer predisposition. Last evaluated: 2024-09-23. Review status: criteria provided, single submitter. Criteria: ACMG Guidelines, 2015. Collection method: clinical testing. Allele origin: germline. Inheritance: Autosomal dominant inheritance. Observed: 2 variant alleles, 2 heterozygotes. Not counted in ClinVar's aggregate classification.
Comment: This study involves interpretation of variants in research participants for the purpose of population health screening. Participant phenotype was not available at the time of variant classification. Additional details can be found in publication PMID: 35346344, PMCID: PMC8962531

KCCC/NGS Laboratory, Kuwait Cancer Control Center
Classification: Likely benign for Breast-ovarian cancer, familial, susceptibility to, 2. Last evaluated: 2023-07-07. Review status: criteria provided, single submitter. Criteria: ACMG Guidelines, 2015. Collection method: clinical testing. Allele origin: germline. Affected: yes. Not counted in ClinVar's aggregate classification.

Blueprint Genetics
Classification: Likely benign. Last evaluated: 2021-06-07. Review status: criteria provided, single submitter. Criteria: ACMG Guidelines, 2015. Collection method: clinical testing. Allele origin: germline. Not counted in ClinVar's aggregate classification.

Women's Health and Genetics/Laboratory Corporation of America, LabCorp
Classification: Likely benign. Last evaluated: 2019-08-21. Review status: criteria provided, single submitter. Criteria: LabCorp Variant Classification Summary - May 2015. Collection method: clinical testing. Allele origin: germline. Not counted in ClinVar's aggregate classification.

Color Diagnostics, LLC DBA Color Health
Classification: Likely benign for Hereditary cancer-predisposing syndrome. Last evaluated: 2017-06-07. Review status: criteria provided, single submitter. Criteria: ACMG Guidelines, 2015. Collection method: clinical testing. Allele origin: germline. Not counted in ClinVar's aggregate classification.

Ambry Genetics
Classification: Likely benign for Hereditary cancer-predisposing syndrome. Last evaluated: 2014-09-18. Review status: criteria provided, single submitter. Criteria: Ambry Variant Classification Scheme 2023. Collection method: clinical testing. Allele origin: germline. Not counted in ClinVar's aggregate classification.

Literature cited by the submitters: PubMed 31214711 (cited by Quest Diagnostics Nichols Institute San Juan Capistrano); PubMed 27376475 (cited by Quest Diagnostics Nichols Institute San Juan Capistrano).